The following is an entry in ClinVar:

ClinVar aggregate classification (germline): Uncertain significance (1 of 4 stars; one submission).

Allele frequency attached by ClinVar (database versions not stated): gnomAD exomes below 0.00001.
gnomAD v4.1: 1 of 1,551,288 alleles (0.000064%); highest among the groups gnomAD compares: Non-Finnish European, 0.000087%; no homozygotes.

Submission:

Labcorp Genetics (formerly Invitae), Labcorp
Classification: Uncertain significance. Last evaluated: 2022-05-09. Review status: criteria provided, single submitter. Criteria: Invitae Variant Classification Sherloc (09022015). Collection method: clinical testing. Allele origin: germline.
Comment: In summary, the available evidence is currently insufficient to determine the role of this variant in disease. Therefore, it has been classified as a Variant of Uncertain Significance. Algorithms developed to predict the effect of missense changes on protein structure and function are either unavailable or do not agree on the potential impact of this missense change (SIFT: "Not Available"; PolyPhen-2: "Probably Damaging"; Align-GVGD: "Not Available"). This variant has not been reported in the literature in individuals affected with UNC80-related conditions. This variant is not present in population databases (gnomAD no frequency). This sequence change replaces asparagine, which is neutral and polar, with aspartic acid, which is acidic and polar, at codon 2194 of the UNC80 protein (p.Asn2194Asp).

NM_001371986.1(UNC80):c.6778A>G (p.Asn2260Asp)

Gene: UNC80 (unc-80 subunit of NALCN channel complex; plus strand). Cytogenetic location: 2q34.
Variant type: single nucleotide variant.
Coding change: c.6778A>G on transcript NM_001371986.1 (MANE Select); coding-DNA position 6778, A replaced by G.
Protein change: p.Asn2260Asp; replaces asparagine 2260 with aspartic acid.
Molecular consequence: missense variant.
Genome position (GRCh38, 1-based): chr2:209,941,352, A>G. VCF-style: chr2-209941352-A-G. GRCh37 (hg19) VCF-style: chr2-210806076-A-G.
Other names: c.6580A>G, p.Asn2194Asp (NM_032504.2); c.6565A>G, p.Asn2189Asp (NM_182587.4); short protein forms N2189D, N2194D, N2260D.
Identifiers: ClinVar variation 1992558 (VCV001992558.4), dbSNP rs2471170473, ClinGen allele CA350772795.
Genomic context (GRCh38, chr2:209,941,352, plus strand): 5'-CTGGGCATGCCGAGCGAGTTTCCATGGGGAGACGAAATCATGCTTTTCCTCAACGTTTTT[A>G]ACGGGGCTCTGATCCTCCACCCGGAAGACAGTGCCCTGCTCAGGCAGTATGCTGCCACCG-3'
Protein context (NP_001358915.1, residues 2250-2270): DEIMLFLNVF[Asn2260Asp]GALILHPEDS